The following is an entry in ClinVar:

NM_001367624.2(ZNF469):c.3109A>T (p.Arg1037Trp)

Gene: ZNF469 (zinc finger protein 469; plus strand). Cytogenetic location: 16q24.2.
Variant type: single nucleotide variant.
Coding change: c.3109A>T on transcript NM_001367624.2 (MANE Select); coding-DNA position 3109, A replaced by T.
Protein change: p.Arg1037Trp; replaces arginine 1037 with tryptophan.
Molecular consequence: missense variant.
Genome position (GRCh38, 1-based): chr16:88,430,579, A>T. VCF-style: chr16-88430579-A-T. GRCh37 (hg19) VCF-style: chr16-88496987-A-T.
Other names: NM_001127464.1:c.3109A>T; p.Arg1037Trp; short protein forms R1037W.
Identifiers: ClinVar variation 452586 (VCV000452586.12), dbSNP rs753720576, ClinGen allele CA8224825.

ClinVar aggregate classification (germline): Conflicting classifications of pathogenicity. Review status: criteria provided, conflicting classifications (1 of 4 stars). 5 submissions from 5 submitters: Uncertain significance (4); Likely benign (1). Last evaluated 2025-10-09.

Conditions:
Cardiovascular phenotype. Identifiers: MedGen CN230736.

Allele frequency attached by ClinVar (database versions not stated): gnomAD 0.00026 and 0.00021; TOPMed 0.00037; ExAC 0.00009; gnomAD exomes 0.00005.
gnomAD v4.1: 72 of 1,498,892 alleles (0.0048%); highest among the groups gnomAD compares: African/African-American, 0.084%; no homozygotes.

Submissions (5):

Mayo Clinic Laboratories, Mayo Clinic
Classification: Likely benign. Last evaluated: 2025-10-09. Review status: criteria provided, single submitter. Criteria: ACMG Guidelines, 2015. Collection method: clinical testing. Allele origin: germline. Observed: 2 variant alleles.
Comment: BS1, BP4_moderate

Women's Health and Genetics/Laboratory Corporation of America, LabCorp
Classification: Uncertain significance. Last evaluated: 2025-09-17. Review status: criteria provided, single submitter. Criteria: LabCorp Variant Classification Summary - May 2015. Collection method: clinical testing. Allele origin: germline.
Comment: Variant summary: ZNF469 c.3109A>T (p.Arg1037Trp) results in a non-conservative amino acid change in the encoded protein sequence. Algorithms developed to predict the effect of missense changes on protein structure and function are either unavailable or do not agree on the potential impact of this missense change. The variant allele was found at a frequency of 5.1e-05 in 98100 control chromosomes. The available data on variant occurrences in the general population are insufficient to allow any conclusion about variant significance. To our knowledge, no occurrence of c.3109A>T in individuals affected with ZNF469-related conditions and no experimental evidence demonstrating its impact on protein function have been reported. ClinVar contains an entry for this variant (Variation ID: 452586). Based on the evidence outlined above, the variant was classified as uncertain significance.

Ambry Genetics
Classification: Uncertain significance for Cardiovascular phenotype. Last evaluated: 2025-02-28. Review status: criteria provided, single submitter. Criteria: Ambry Variant Classification Scheme 2023. Collection method: clinical testing. Allele origin: germline.

GeneDx
Classification: Uncertain significance. Last evaluated: 2023-12-08. Review status: criteria provided, single submitter. Criteria: GeneDx Variant Classification Process June 2021. Collection method: clinical testing. Allele origin: germline. Affected: yes.
Comment: In silico analysis supports that this missense variant has a deleterious effect on protein structure/function; Has not been previously published as pathogenic or benign to our knowledge

Labcorp Genetics (formerly Invitae), Labcorp
Classification: Uncertain significance. Last evaluated: 2022-05-09. Review status: criteria provided, single submitter. Criteria: Invitae Variant Classification Sherloc (09022015). Collection method: clinical testing. Allele origin: germline.
Comment: This sequence change replaces arginine, which is basic and polar, with tryptophan, which is neutral and slightly polar, at codon 1037 of the ZNF469 protein (p.Arg1037Trp). This variant is present in population databases (rs753720576, gnomAD 0.08%). This variant has not been reported in the literature in individuals affected with ZNF469-related conditions. ClinVar contains an entry for this variant (Variation ID: 452586). Algorithms developed to predict the effect of missense changes on protein structure and function output the following: SIFT: "Deleterious"; PolyPhen-2: "Probably Damaging"; Align-GVGD: "Class C0". The tryptophan amino acid residue is found in multiple mammalian species, which suggests that this missense change does not adversely affect protein function. In summary, the available evidence is currently insufficient to determine the role of this variant in disease. Therefore, it has been classified as a Variant of Uncertain Significance.